The following is an entry in ClinVar:

ClinVar aggregate classification (germline): Uncertain significance (1 of 4 stars; one submission).

Submission:

GeneDx
Classification: Uncertain significance. Last evaluated: 2024-03-05. Review status: criteria provided, single submitter. Criteria: GeneDx Variant Classification Process June 2021. Collection method: clinical testing. Allele origin: germline. Affected: yes.
Comment: Has not been previously published as pathogenic or benign to our knowledge; Not observed at significant frequency in large population cohorts (gnomAD); In silico analysis supports that this missense variant has a deleterious effect on protein structure/function

NM_017617.5(NOTCH1):c.2844G>T (p.Glu948Asp)

Gene: NOTCH1 (notch receptor 1; minus strand). Cytogenetic location: 9q34.3.
Variant type: single nucleotide variant.
Coding change: c.2844G>T on transcript NM_017617.5 (MANE Select); coding-DNA position 2844, G replaced by T.
Protein change: p.Glu948Asp; replaces glutamic acid 948 with aspartic acid.
Molecular consequence: missense variant.
Genome position (GRCh38, 1-based): chr9:136,509,858, C>A on the plus strand (G>T on the coding strand, the complement: NOTCH1 is on the minus strand). VCF-style: chr9-136509858-C-A. GRCh37 (hg19) VCF-style: chr9-139404310-C-A.
Other names: short protein forms E948D.
Identifiers: ClinVar variation 3373710 (VCV003373710.1).